The following is an entry in ClinVar:

NM_032043.3(BRIP1):c.2993A>G (p.Lys998Arg)

Gene: BRIP1 (BRCA1 interacting DNA helicase 1; minus strand). Cytogenetic location: 17q23.2.
Variant type: single nucleotide variant.
Coding change: c.2993A>G on transcript NM_032043.3 (MANE Select); coding-DNA position 2993, A replaced by G.
Protein change: p.Lys998Arg; replaces lysine 998 with arginine.
Molecular consequence: missense variant.
Genome position (GRCh38, 1-based): chr17:61,684,053, T>C on the plus strand (A>G on the coding strand, the complement: BRIP1 is on the minus strand). VCF-style: chr17-61684053-T-C. GRCh37 (hg19) VCF-style: chr17-59761414-T-C.
Other names: short protein forms K998R.
Identifiers: ClinVar variation 489829 (VCV000489829.7), dbSNP rs1555572922, ClinGen allele CA400480045.
Genomic context (GRCh38, chr17:61,684,053, plus strand): 5'-TTCGGTATTTTACCAGTAAAATACTGTCCCAAAGAATTAAAGCTTGACCAGCTAACTCTC[T>C]TTGTTTGTTTGTTGAAAGTTGGGCTTGTGGATCTGGAAATCACAATTTTTTCTGCTTTCC-3'
Protein context (NP_114432.2, residues 988-1008): STSPTFNKQT[Lys998Arg]RVSWSSFNSL

ClinVar aggregate classification (germline): Uncertain significance. Review status: criteria provided, multiple submitters, no conflicts (2 of 4 stars). 2 submissions from 2 submitters: Uncertain significance (2). Last evaluated 2025-06-01.

Conditions:
Hereditary cancer-predisposing syndrome. Also called: Hereditary Cancer Syndrome; Neoplastic Syndromes, Hereditary; Tumor predisposition; Hereditary neoplastic syndrome. Identifiers: Orphanet 140162, MedGen C0027672, MeSH D009386, MONDO:0015356.

Submissions (2):

Ambry Genetics
Classification: Uncertain significance for Hereditary cancer-predisposing syndrome. Last evaluated: 2025-06-01. Review status: criteria provided, single submitter. Criteria: Ambry Variant Classification Scheme 2023. Collection method: clinical testing. Allele origin: germline.
Comment: The p.K998R variant (also known as c.2993A>G), located in coding exon 19 of the BRIP1 gene, results from an A to G substitution at nucleotide position 2993. The lysine at codon 998 is replaced by arginine, an amino acid with highly similar properties. This amino acid position is conserved. In addition, this alteration is predicted to be tolerated by in silico analysis. Based on the available evidence, the clinical significance of this variant remains unclear.

Color Diagnostics, LLC DBA Color Health
Classification: Uncertain significance for Hereditary cancer-predisposing syndrome. Last evaluated: 2023-12-05. Review status: criteria provided, single submitter. Criteria: ACMG Guidelines, 2015. Collection method: clinical testing. Allele origin: germline.
Comment: This missense variant replaces lysine with arginine at codon 998 of the BRIP1 protein. Computational prediction suggests that this variant may not impact protein structure and function (internally defined REVEL score threshold <= 0.5, PMID: 27666373). To our knowledge, functional studies have not been reported for this variant. This variant has not been reported in individuals affected with BRIP1-related disorders in the literature. This variant has not been identified in the general population by the Genome Aggregation Database (gnomAD). The available evidence is insufficient to determine the role of this variant in disease conclusively. Therefore, this variant is classified as a Variant of Uncertain Significance.